The following is an entry in ClinVar:

ClinVar aggregate classification (germline): Likely benign. Review status: criteria provided, multiple submitters, no conflicts (2 of 4 stars). 3 submissions from 3 submitters: Likely benign (3). Last evaluated 2026-01-12.

Allele frequency attached by ClinVar (database versions not stated): gnomAD exomes 0.00024; ExAC 0.00027; ESP Exome Variant Server 0.00016.
gnomAD v4.1: 281 of 1,614,062 alleles (0.017%); highest among the groups gnomAD compares: South Asian, 0.1%; 2 homozygotes.

Submissions (3):

Labcorp Genetics (formerly Invitae), Labcorp
Classification: Likely benign. Last evaluated: 2026-01-12. Review status: criteria provided, single submitter. Criteria: Invitae Variant Classification Sherloc (09022015). Collection method: clinical testing. Allele origin: germline.

Blueprint Genetics
Classification: Likely benign. Last evaluated: 2024-10-18. Review status: criteria provided, single submitter. Criteria: ACMG Guidelines, 2015. Collection method: clinical testing. Allele origin: germline.

CeGaT Center for Human Genetics Tuebingen
Classification: Likely benign. Last evaluated: 2022-11-01. Review status: criteria provided, single submitter. Criteria: CeGaT Center For Human Genetics Tuebingen Variant Classification Criteria Version 2. Collection method: clinical testing. Allele origin: germline. Affected: yes. Observed: 3 variant alleles.
Comment: RNF31: BP4, BP7

NM_017999.5(RNF31):c.2358C>T (p.Thr786=)

Gene: RNF31 (ring finger protein 31; plus strand). Cytogenetic location: 14q12.
Variant type: single nucleotide variant.
Coding change: c.2358C>T on transcript NM_017999.5 (MANE Select); coding-DNA position 2358, C replaced by T.
Protein change: p.Thr786=; no amino-acid change (threonine 786 retained).
Molecular consequence: synonymous variant.
Genome position (GRCh38, 1-based): chr14:24,155,467, C>T. VCF-style: chr14-24155467-C-T. GRCh37 (hg19) VCF-style: chr14-24624676-C-T.
Other names: c.1905C>T, p.Thr635= (NM_001310332.2).
Identifiers: ClinVar variation 1566460 (VCV001566460.32), dbSNP rs372700410, ClinGen allele CA7126036.